The following is an entry in ClinVar:

NM_000475.5(NR0B1):c.986_987delinsA (p.Gly329fs)

Gene: NR0B1 (nuclear receptor subfamily 0 group B member 1; minus strand). Cytogenetic location: Xp21.2.
Variant type: Indel.
Coding change: c.986_987delinsA on transcript NM_000475.5 (MANE Select); coding-DNA positions 986 to 987, GG replaced by A.
Protein change: p.Gly329fs; shifts the reading frame from glycine 329.
Molecular consequence: frameshift variant.
Genome position (GRCh38, 1-based): chrX:30,308,377-30,308,378, CC replaced by T on the plus strand (GG replaced by A on the coding strand, the reverse complement: NR0B1 is on the minus strand). VCF-style: chrX-30308377-CC-T. GRCh37 (hg19) VCF-style: chrX-30326494-CC-T.
Other names: short protein forms G329fs.
Identifiers: ClinVar variation 994657 (VCV000994657.3), dbSNP rs1926565907, ClinGen allele CA1139667339.

ClinVar aggregate classification (germline): Pathogenic. Review status: criteria provided, multiple submitters, no conflicts (2 of 4 stars). 2 submissions from 2 submitters: Pathogenic (2). Last evaluated 2024-03-12.

Conditions:
Congenital adrenal hypoplasia, X-linked (AHC). Also called: Isolated X-Linked Adrenal Hypoplasia Congenita; X-linked AHC; X-Linked Adrenal Hypoplasia Congenita; ADRENAL HYPOPLASIA, CONGENITAL, WITH HYPOGONADOTROPIC HYPOGONADISM. Identifiers: Orphanet 95702, MedGen C0342482, MONDO:0010264, OMIM 300200. Disease mechanism: loss of function.
46,XY sex reversal 2. Also called: NR0B1-Related 46,XY CGD; NR0B1-related 46,XY complete gonadal dysgenesis; 46,XY SEX REVERSAL, DAX1-RELATED; 46XY sex reversal 2, dosage-sensitive; Dosage-sensitive sex reversal. Identifiers: MedGen C1848296, MONDO:0010226, OMIM 300018.

Submissions (2):

Labcorp Genetics (formerly Invitae), Labcorp
Classification: Pathogenic for Congenital adrenal hypoplasia, X-linked; 46,XY sex reversal 2. Last evaluated: 2024-03-12. Review status: criteria provided, single submitter. Criteria: Invitae Variant Classification Sherloc (09022015). Collection method: clinical testing. Allele origin: germline.
Comment: This sequence change creates a premature translational stop signal (p.Gly329Glufs*43) in the NR0B1 gene. It is expected to result in an absent or disrupted protein product. Loss-of-function variants in NR0B1 are known to be pathogenic (PMID: 7990958, 15841486). Information on the frequency of this variant in the gnomAD database is not available, as this variant may be reported differently in the database. This variant has not been reported in the literature in individuals affected with NR0B1-related conditions. For these reasons, this variant has been classified as Pathogenic.

Athena Diagnostics
Classification: Pathogenic. Last evaluated: 2020-01-03. Review status: criteria provided, single submitter. Criteria: Athena Diagnostics Criteria. Collection method: clinical testing. Allele origin: unknown.
Comment: The variant results in a shift of the reading frame, and is therefore predicted to result in the loss of a functional protein. Found in at least one patient with expected phenotype for this gene, and not found in general population data.

Literature cited by the submitters: PubMed 7990958 (cited by Labcorp Genetics (formerly Invitae), Labcorp); PubMed 15841486 (cited by Labcorp Genetics (formerly Invitae), Labcorp); PubMed 8770879 (cited by Athena Diagnostics).